The following is an entry in ClinVar:

NM_001377.3(DYNC2H1):c.366+10G>A

Gene: DYNC2H1 (dynein cytoplasmic 2 heavy chain 1; plus strand). Cytogenetic location: 11q22.3.
Variant type: single nucleotide variant.
Coding change: c.366+10G>A on transcript NM_001377.3 (MANE Select); 10 bases into the intron after coding-DNA position 366, G replaced by A.
Molecular consequence: intron variant.
Genome position (GRCh38, 1-based): chr11:103,113,717, G>A. VCF-style: chr11-103113717-G-A. GRCh37 (hg19) VCF-style: chr11-102984446-G-A.
Other names: c.366+10G>A (NM_001080463.2).
Identifiers: ClinVar variation 302001 (VCV000302001.18), dbSNP rs200257097, ClinGen allele CA6252466.

ClinVar aggregate classification (germline): Conflicting classifications of pathogenicity. Review status: criteria provided, conflicting classifications (1 of 4 stars). 4 submissions from 4 submitters: Uncertain significance (1); Likely benign (3). Last evaluated 2026-01-28.

Conditions:
Jeune thoracic dystrophy. Also called: Short-rib thoracic dysplasia; Jeune syndrome; Infantile thoracic dystrophy; Thoracic pelvic phalangeal dystrophy; Jeune's syndrome; Chondroectodermal dysplasia-like syndrome. Identifiers: Orphanet 474, MedGen C0265275, MONDO:0018770.
Asphyxiating thoracic dystrophy 3. Also called: POLYDACTYLY WITH NEONATAL CHONDRODYSTROPHY, TYPE I; SHORT-RIB THORACIC DYSPLASIA 3 WITH OR WITHOUT POLYDACTYLY; SHORT-RIB THORACIC DYSPLASIA 3/6 WITH POLYDACTYLY, DIGENIC; Short rib polydactyly syndrome 2B; Saldino-Noonan Syndrome. Identifiers: Orphanet 474, Orphanet 93269, Orphanet 93270, Orphanet 93271, MedGen C0036069, MONDO:0013127, OMIM 613091.
DYNC2H1-related disorder. Also called: DYNC2H1-related condition; DYNC2H1-related disorders. Identifiers: MedGen CN378770.

Allele frequency attached by ClinVar (database versions not stated): gnomAD exomes 0.00005; ExAC 0.00006; gnomAD 0.00019; TOPMed 0.00029; 1000 Genomes Project 30x 0.00031; 1000 Genomes Project 0.00040.
gnomAD v4.1: 82 of 1,492,944 alleles (0.0055%); highest among the groups gnomAD compares: Admixed American, 0.092%; 1 homozygote.

Submissions (4):

Labcorp Genetics (formerly Invitae), Labcorp
Classification: Likely benign for Jeune thoracic dystrophy. Last evaluated: 2026-01-28. Review status: criteria provided, single submitter. Criteria: Invitae Variant Classification Sherloc (09022015). Collection method: clinical testing. Allele origin: germline.

PreventionGenetics, part of Exact Sciences
Classification: Likely benign for DYNC2H1-related condition. Last evaluated: 2025-03-15. Review status: criteria provided, single submitter. Criteria: ACMG Guidelines, 2015. Collection method: clinical testing. Allele origin: germline.
Comment: This variant is classified as likely benign based on ACMG/AMP sequence variant interpretation guidelines (Richards et al. 2015 PMID: 25741868, with internal and published modifications).

Blueprint Genetics
Classification: Likely benign. Last evaluated: 2023-05-15. Review status: criteria provided, single submitter. Criteria: ACMG Guidelines, 2015. Collection method: clinical testing. Allele origin: germline.

Illumina Laboratory Services, Illumina
Classification: Uncertain significance for Asphyxiating thoracic dystrophy 3. Last evaluated: 2018-01-12. Review status: criteria provided, single submitter. Criteria: ICSL Variant Classification Criteria 13 December 2019. Collection method: clinical testing. Allele origin: germline.